The following is an entry in ClinVar:

NM_001395002.1(MAP4K4):c.1298A>G (p.Glu433Gly)

Gene: MAP4K4 (mitogen-activated protein kinase kinase kinase kinase 4; plus strand). Cytogenetic location: 2q11.2.
Variant type: single nucleotide variant.
Coding change: c.1298A>G on transcript NM_001395002.1 (MANE Select); coding-DNA position 1298, A replaced by G.
Protein change: p.Glu433Gly; replaces glutamic acid 433 with glycine.
Molecular consequence: missense variant. On other transcripts: non-coding transcript variant (4).
Genome position (GRCh38, 1-based): chr2:101,856,041, A>G. VCF-style: chr2-101856041-A-G. GRCh37 (hg19) VCF-style: chr2-102472503-A-G.
Other names: c.1298A>G, p.Glu433Gly (NM_001242559.2, NM_001242560.2, NM_001384476.1 and 28 more transcripts); c.1271A>G, p.Glu424Gly (NM_001384549.1, NM_001384550.1, NM_001384551.1 and 16 more transcripts); short protein forms E424G, E433G.
Identifiers: ClinVar variation 3371211 (VCV003371211.1).
Genomic context (GRCh38, chr2:101,856,041, plus strand): 5'-AAAGGAGAGAGCGGGAAGCTAGAAGGCAGCAGGAACGTGAACAGCGAAGGAGAGAACAAG[A>G]AGAAAAGAGGCGTCTAGAGGAGTTGGAGAGAAGGCGCAAAGAAGAAGAGGAGAGGAGACG-3'
Protein context (NP_001381931.1, residues 423-443): QEREQRRREQ[Glu433Gly]EKRRLEELER

ClinVar aggregate classification (germline): Uncertain significance (1 of 4 stars; one submission).

gnomAD v4.1: 2 of 1,551,854 alleles (0.00013%); highest among the groups gnomAD compares: Non-Finnish European, 0.00017%; no homozygotes.

Submission:

GeneDx
Classification: Uncertain significance. Last evaluated: 2024-03-19. Review status: criteria provided, single submitter. Criteria: GeneDx Variant Classification Process June 2021. Collection method: clinical testing. Allele origin: germline. Affected: yes.
Comment: Not observed at significant frequency in large population cohorts (gnomAD); In silico analysis supports that this missense variant has a deleterious effect on protein structure/function; Has not been previously published as pathogenic or benign to our knowledge